The following is an entry in ClinVar:

NM_000553.6(WRN):c.1204C>T (p.Leu402Phe)

Gene: WRN (WRN RecQ like helicase; plus strand). Cytogenetic location: 8p12.
Variant type: single nucleotide variant.
Coding change: c.1204C>T on transcript NM_000553.6 (MANE Select); coding-DNA position 1204, C replaced by T.
Protein change: p.Leu402Phe; replaces leucine 402 with phenylalanine.
Molecular consequence: missense variant.
Genome position (GRCh38, 1-based): chr8:31,081,231, C>T. VCF-style: chr8-31081231-C-T. GRCh37 (hg19) VCF-style: chr8-30938747-C-T.
Other names: short protein forms L402F.
Identifiers: ClinVar variation 859357 (VCV000859357.4), dbSNP rs779022285, ClinGen allele CA370921250.

ClinVar aggregate classification (germline): Uncertain significance (1 of 4 stars; one submission).

Conditions:
Werner syndrome (WRN). Identifiers: Orphanet 902, MedGen C0043119, MONDO:0010196, OMIM 277700.

gnomAD v4.1: 8 of 1,612,880 alleles (0.0005%); highest among the groups gnomAD compares: Non-Finnish European, 0.00068%; no homozygotes.

Submission:

Labcorp Genetics (formerly Invitae), Labcorp
Classification: Uncertain significance for Werner syndrome. Last evaluated: 2022-11-01. Review status: criteria provided, single submitter. Criteria: Invitae Variant Classification Sherloc (09022015). Collection method: clinical testing. Allele origin: germline.
Comment: This sequence change replaces leucine, which is neutral and non-polar, with phenylalanine, which is neutral and non-polar, at codon 402 of the WRN protein (p.Leu402Phe). This variant is not present in population databases (gnomAD no frequency). This variant has not been reported in the literature in individuals affected with WRN-related conditions. ClinVar contains an entry for this variant (Variation ID: 859357). Algorithms developed to predict the effect of missense changes on protein structure and function are either unavailable or do not agree on the potential impact of this missense change (SIFT: "Not Available"; PolyPhen-2: "Probably Damaging"; Align-GVGD: "Not Available"). In summary, the available evidence is currently insufficient to determine the role of this variant in disease. Therefore, it has been classified as a Variant of Uncertain Significance.